The following is an entry in ClinVar:

ClinVar aggregate classification (germline): Uncertain significance (1 of 4 stars; one submission).

Submission:

GeneDx
Classification: Uncertain significance. Last evaluated: 2022-09-02. Review status: criteria provided, single submitter. Criteria: GeneDx Variant Classification Process June 2021. Collection method: clinical testing. Allele origin: germline. Affected: yes.
Comment: Not observed at significant frequency in large population cohorts (gnomAD); In-frame deletion of 2 amino acids and insertion of 1 incorrect amino acid in a non-repeat region; In silico analysis supports a deleterious effect on protein structure/function; Has not been previously published as pathogenic or benign to our knowledge

NM_001123385.2(BCOR):c.1782_1787delinsGTG (p.Ile595_Gln596delinsTrp)

Gene: BCOR (BCL6 corepressor; minus strand). Cytogenetic location: Xp11.4.
Variant type: Indel.
Coding change: c.1782_1787delinsGTG on transcript NM_001123385.2 (MANE Select); coding-DNA positions 1782 to 1787, TATTCA replaced by GTG.
Protein change: p.Ile595_Gln596delinsTrp.
Molecular consequence: inframe indel.
Genome position (GRCh38, 1-based): chrX:40,073,559-40,073,564, TGAATA replaced by CAC on the plus strand (TATTCA replaced by GTG on the coding strand, the reverse complement: BCOR is on the minus strand). VCF-style: chrX-40073559-TGAATA-CAC. GRCh37 (hg19) VCF-style: chrX-39932812-TGAATA-CAC.
Other names: c.1782_1787delTATTCAinsGTG, p.Ile595_Gln596delinsTrp (NM_001123383.2); c.1782_1787delinsGTG, p.Ile595_Gln596delinsTrp (NM_001123384.2, NM_017745.6).
Identifiers: ClinVar variation 2442468 (VCV002442468.1), dbSNP rs2519998585, ClinGen allele CA2580100853.